The following is an entry in ClinVar:

NM_144599.5(NIPA1):c.*5237G>C

Gene: NIPA1 (NIPA magnesium transporter 1; plus strand). Cytogenetic location: 15q11.2.
Variant type: single nucleotide variant.
Coding change: c.*5237G>C on transcript NM_144599.5 (MANE Select); 5237 bases downstream of the stop codon, G replaced by C.
Molecular consequence: 3 prime UTR variant.
Genome position (GRCh38, 1-based): chr15:22,829,476, G>C. VCF-style: chr15-22829476-G-C. GRCh37 (hg19) VCF-style: chr15-23043592-C-G.
Other names: c.*5237G>C (NM_001142275.1).
Identifiers: ClinVar variation 886742 (VCV000886742.4), dbSNP rs74003089, ClinGen allele CA267611598.

ClinVar aggregate classification (germline): Benign (1 of 4 stars; one submission).

Conditions:
Hereditary spastic paraplegia 6 (SPG6). Also called: SPASTIC PARAPLEGIA 6, AUTOSOMAL DOMINANT. Identifiers: Orphanet 100988, MedGen C1838192, MONDO:0010878, OMIM 600363.

Allele frequency attached by ClinVar (database versions not stated): gnomAD 0.00311 and 0.00338; 1000 Genomes Project 0.00319; TOPMed 0.00323; 1000 Genomes Project 30x 0.00375.
gnomAD v4.1: 471 of 152,494 alleles (0.31%); highest among the groups gnomAD compares: African/African-American, 1.1%; 2 homozygotes.

Submission:

Illumina Laboratory Services, Illumina
Classification: Benign for Hereditary spastic paraplegia 6. Last evaluated: 2018-01-12. Review status: criteria provided, single submitter. Criteria: ICSL Variant Classification Criteria 13 December 2019. Collection method: clinical testing. Allele origin: germline.
Comment: This variant was observed in the ICSL laboratory as part of a predisposition screen in an ostensibly healthy population. It had not been previously curated by ICSL or reported in the Human Gene Mutation Database (HGMD: prior to June 1st, 2018), and was therefore a candidate for classification through an automated scoring system. Utilizing variant allele frequency, disease prevalence and penetrance estimates, and inheritance mode, an automated score was calculated to assess if this variant is too frequent to cause the disease. Based on the score and internal cut-off values, a variant classified as benign is not then subjected to further curation. The score for this variant resulted in a classification of benign for this disease.